The following is an entry in ClinVar:

ClinVar aggregate classification (germline): Uncertain significance (1 of 4 stars; one submission).

Submission:

Ambry Genetics
Classification: Uncertain significance. Last evaluated: 2026-08-27. Review status: criteria provided, single submitter. Criteria: Ambry Variant Classification Scheme 2023. Collection method: clinical testing. Allele origin: germline.
Comment: The p.R721S variant (also known as c.2163A>T), located in coding exon 1 of the MLH3 gene, results from an A to T substitution at nucleotide position 2163. The arginine at codon 721 is replaced by serine, an amino acid with dissimilar properties. This amino acid position is conserved. In addition, this alteration is predicted to be tolerated by in silico analysis. Based on the available evidence, the clinical significance of this variant remains unclear.

NM_001040108.2(MLH3):c.2163A>T (p.Arg721Ser)

Gene: MLH3 (mutL homolog 3; minus strand). Cytogenetic location: 14q24.3.
Variant type: single nucleotide variant.
Coding change: c.2163A>T on transcript NM_001040108.2 (MANE Select); coding-DNA position 2163, A replaced by T.
Protein change: p.Arg721Ser; replaces arginine 721 with serine.
Molecular consequence: missense variant.
Genome position (GRCh38, 1-based): chr14:75,047,493, T>A on the plus strand (A>T on the coding strand, the complement: MLH3 is on the minus strand). VCF-style: chr14-75047493-T-A. GRCh37 (hg19) VCF-style: chr14-75514196-T-A.
Other names: c.2163A>T, p.Arg721Ser (NM_014381.3); short protein forms R721S.
Identifiers: ClinVar variation 5024636 (VCV005024636.1).
Genomic context (GRCh38, chr14:75,047,493, plus strand): 5'-GACGATTGGTTTGGAGAAACCAATTAATTTATCTGTTTTCCTACTATCATTGGAAACGTG[T>A]CTATACCAGGGGAAAGAGGGGGATGTATCAGATAATATGCAATCTGTTTGTGATTTTTTG-3'
Protein context (NP_001035197.1, residues 711-731): SDTSPSFPWY[Arg721Ser]HVSNDSRKTD